The following is an entry in ClinVar:

ClinVar aggregate classification (germline): Uncertain significance (1 of 4 stars; one submission).

Conditions:
Weill-Marchesani syndrome 1 (WMS1). Also called: Weill-Marchesani Syndrome, Autosomal Recessive; Weill-Marchesani syndrome 1, recessive; ADAMTS10-Related Weill-Marchesani Syndrome. Identifiers: Orphanet 3449, MedGen C4552002, MONDO:0010194, OMIM 277600.

gnomAD v4.1: 1 of 1,612,520 alleles (0.000062%); highest among the groups gnomAD compares: Non-Finnish European, 0.000085%; no homozygotes.

Submission:

Medical Genetics Clinic, University of Catania
Classification: Uncertain significance for Weill-Marchesani syndrome 1. Last evaluated: 2025-03-27. Review status: criteria provided, single submitter. Criteria: ACMG Guidelines, 2015. Collection method: clinical testing. Allele origin: unknown. Inheritance: Autosomal recessive inheritance. Observed: 1 heterozygote.
Comment: The c.2072G>C variant replaces Arginine which is positive and polar with Prolin which is neutral and apolar at codon 691 of the ADAMTS10 protein. This variant falls at exon 18 of the ADAMTS10 gene and is not present in population databases. In silico computational software (PolyPhen-2) suggests a probable demaging effect on the structure/activity of the resulting protein. In the light of the above the c.2072G>C variant in the ADAMTS10 gene has been classified as Variant of Uncertain Significance.

NM_030957.4(ADAMTS10):c.2072G>C (p.Arg691Pro)

Gene: ADAMTS10 (ADAM metallopeptidase with thrombospondin type 1 motif 10; minus strand). Cytogenetic location: 19p13.2.
Variant type: single nucleotide variant.
Coding change: c.2072G>C on transcript NM_030957.4 (MANE Select); coding-DNA position 2072, G replaced by C.
Protein change: p.Arg691Pro; replaces arginine 691 with proline.
Molecular consequence: missense variant.
Genome position (GRCh38, 1-based): chr19:8,589,328, C>G on the plus strand (G>C on the coding strand, the complement: ADAMTS10 is on the minus strand). VCF-style: chr19-8589328-C-G. GRCh37 (hg19) VCF-style: chr19-8654212-C-G.
Other names: p.Arg691Pro; c.533G>C, p.Arg178Pro (NM_001282352.2); short protein forms R178P, R691P.
Identifiers: ClinVar variation 3901846 (VCV003901846.1).
Genomic context (GRCh38, chr19:8,589,328, plus strand): 5'-ACGCCCTCGATGGTCTCGCAGGCACTGCCGTCACCGCCACACACTCGGCACTTGTCCTCC[C>G]GCAGGTCGGAGCCCAGGACTCGGTCGCAGCCCACGTGCTGCGTGGAGAAGGCGTGAGTGA-3'
Protein context (NP_112219.3, residues 681-701): GCDRVLGSDL[Arg691Pro]EDKCRVCGGD